The following is an entry in ClinVar:

ClinVar aggregate classification (germline): Uncertain significance (1 of 4 stars; one submission).

Conditions:
Hereditary cancer-predisposing syndrome. Also called: Hereditary neoplastic syndrome; Neoplastic Syndromes, Hereditary; Tumor predisposition; Hereditary Cancer Syndrome. Identifiers: Orphanet 140162, MedGen C0027672, MeSH D009386, MONDO:0015356.

gnomAD v4.1: 2 of 1,614,142 alleles (0.00012%); highest among the groups gnomAD compares: South Asian, 0.0022%; no homozygotes.

Submission:

Ambry Genetics
Classification: Uncertain significance for Hereditary cancer-predisposing syndrome. Last evaluated: 2025-03-08. Review status: criteria provided, single submitter. Criteria: Ambry Variant Classification Scheme 2023. Collection method: clinical testing. Allele origin: germline.
Comment: The p.M881I variant (also known as c.2643G>T), located in coding exon 22 of the EGFR gene, results from a G to T substitution at nucleotide position 2643. The methionine at codon 881 is replaced by isoleucine, an amino acid with highly similar properties. This amino acid position is conserved. In addition, the in silico prediction for this alteration is inconclusive. Based on the available evidence, the clinical significance of this variant remains unclear.

NM_005228.5(EGFR):c.2643G>T (p.Met881Ile)

Gene: EGFR (epidermal growth factor receptor; plus strand). Cytogenetic location: 7p11.2.
Variant type: single nucleotide variant.
Coding change: c.2643G>T on transcript NM_005228.5 (MANE Select); coding-DNA position 2643, G replaced by T.
Protein change: p.Met881Ile; replaces methionine 881 with isoleucine.
Molecular consequence: missense variant.
Genome position (GRCh38, 1-based): chr7:55,192,783, G>T. VCF-style: chr7-55192783-G-T. GRCh37 (hg19) VCF-style: chr7-55260476-G-T.
Other names: c.2484G>T, p.Met828Ile (NM_001346900.2); c.2643G>T, p.Met881Ile (NM_001346898.2); c.2508G>T, p.Met836Ile (NM_001346897.2, NM_001346899.2); c.1842G>T, p.Met614Ile (NM_001346941.2); short protein forms M614I, M881I, M828I, M836I.
Identifiers: ClinVar variation 3843855 (VCV003843855.1).